The following is an entry in ClinVar:

NM_001370348.2(PHF3):c.2901C>T (p.Phe967=)

Gene: PHF3 (PHD finger protein 3; plus strand). Cytogenetic location: 6q12.
Variant type: single nucleotide variant.
Coding change: c.2901C>T on transcript NM_001370348.2 (MANE Select); coding-DNA position 2901, C replaced by T.
Protein change: p.Phe967=; no amino-acid change (phenylalanine 967 retained).
Molecular consequence: synonymous variant.
Genome position (GRCh38, 1-based): chr6:63,698,524, C>T. VCF-style: chr6-63698524-C-T. GRCh37 (hg19) VCF-style: chr6-64408414-C-T.
Other names: c.2637C>T, p.Phe879= (NM_001290259.2, NM_001370349.2); c.708C>T, p.Phe236= (NM_001370350.2); c.2901C>T, p.Phe967= (NM_015153.4).
Identifiers: ClinVar variation 5041169 (VCV005041169.1).
Genomic context (GRCh38, chr6:63,698,524, plus strand): 5'-TTTGAAGGTACCAGAGGAAAAGGCAGCAAAAGTTGCCACAAAAATTGAGAAAGAGCTTTT[C>T]TCTTTTTTTCGGGACACAGATGCTAAATATAAGAACAAATATAGAAGTTTGATGTTTAAT-3'
Protein context (NP_001357277.1, residues 957-977): KVATKIEKEL[Phe967=]SFFRDTDAKY

ClinVar aggregate classification (germline): Likely benign (1 of 4 stars; one submission).

gnomAD v4.1: 20 of 1,603,880 alleles (0.0012%); highest among the groups gnomAD compares: Non-Finnish European, 0.0017%; no homozygotes.

Submission:

CeGaT Center for Human Genetics Tuebingen
Classification: Likely benign. Last evaluated: 2026-09-01. Review status: criteria provided, single submitter. Criteria: CeGaT Center For Human Genetics Tuebingen Variant Classification Criteria Version 2. Collection method: clinical testing. Allele origin: germline. Affected: yes. Observed: 1 variant allele.
Comment: PHF3: BP4, BP7